The following is an entry in ClinVar:

NM_001304438.2(TMEM132E):c.1258G>T (p.Ala420Ser)

Gene: TMEM132E (transmembrane protein 132E; plus strand). Cytogenetic location: 17q12.
Variant type: single nucleotide variant.
Coding change: c.1258G>T on transcript NM_001304438.2 (MANE Select); coding-DNA position 1258, G replaced by T.
Protein change: p.Ala420Ser; replaces alanine 420 with serine.
Molecular consequence: missense variant.
Genome position (GRCh38, 1-based): chr17:34,629,124, G>T. VCF-style: chr17-34629124-G-T. GRCh37 (hg19) VCF-style: chr17-32956143-G-T.
Other names: short protein forms A420S.
Identifiers: ClinVar variation 4988784 (VCV004988784.1).

ClinVar aggregate classification (germline): Uncertain significance (1 of 4 stars; one submission).

Conditions:
TMEM132E-related disorder. Also called: TMEM132E-related condition.

gnomAD v4.1: 66 of 1,613,610 alleles (0.0041%); highest among the groups gnomAD compares: Non-Finnish European, 0.0017%; no homozygotes.

Submission:

PreventionGenetics, part of Exact Sciences
Classification: Uncertain significance for TMEM132E-related condition. Last evaluated: 2026-08-10. Review status: criteria provided, single submitter. Criteria: ACMG Guidelines, 2015. Collection method: clinical testing. Allele origin: germline.
Comment: The TMEM132E c.1258G>T variant is predicted to result in the amino acid substitution p.Ala420Ser. To our knowledge, this variant has not been reported in the literature. This variant is reported in 0.076% of alleles in individuals of European (Finnish) descent in gnomAD. Although we suspect that this variant may be benign, at this time, the clinical significance of this variant is uncertain due to the absence of conclusive functional and genetic evidence.